The following is an entry in ClinVar:

NM_004086.3(COCH):c.814G>A (p.Val272Ile)

Genes: COCH (cochlin; plus strand), COCH-AS1 (COCH antisense RNA 1; minus strand). Cytogenetic location: 14q12.
Variant type: single nucleotide variant.
Coding change: c.814G>A on transcript NM_004086.3 (MANE Select); coding-DNA position 814, G replaced by A.
Protein change: p.Val272Ile; replaces valine 272 with isoleucine.
Molecular consequence: missense variant. On other transcripts: non-coding transcript variant (1).
Genome position (GRCh38, 1-based): chr14:30,885,474, G>A. VCF-style: chr14-30885474-G-A. GRCh37 (hg19) VCF-style: chr14-31354680-G-A.
Other names: c.814G>A, p.Val272Ile (NM_001135058.2); c.1009G>A, p.Val337Ile (NM_001347720.2); c.814G>A (NM_004086.2); short protein forms V272I, V337I.
Identifiers: ClinVar variation 2715504 (VCV002715504.4), dbSNP rs186875564, ClinGen allele CA7143200.

ClinVar aggregate classification (germline): Uncertain significance. Review status: criteria provided, multiple submitters, no conflicts (2 of 4 stars). 2 submissions from 2 submitters: Uncertain significance (2). Last evaluated 2025-08-03.

Conditions:
Inborn genetic diseases. Identifiers: MedGen C0950123, MeSH D030342.

Allele frequency attached by ClinVar (database versions not stated): ExAC 0.00003; gnomAD 0.00006; TOPMed 0.00008; 1000 Genomes Project 0.00040; 1000 Genomes Project 30x 0.00047.
gnomAD v4.1: 68 of 1,614,046 alleles (0.0042%); highest among the groups gnomAD compares: Admixed American, 0.017%; no homozygotes.

Submissions (2):

Ambry Genetics
Classification: Uncertain significance for Inborn genetic diseases. Last evaluated: 2025-08-03. Review status: criteria provided, single submitter. Criteria: Ambry Variant Classification Scheme 2023. Collection method: clinical testing. Allele origin: germline.

Labcorp Genetics (formerly Invitae), Labcorp
Classification: Uncertain significance. Last evaluated: 2025-05-01. Review status: criteria provided, single submitter. Criteria: Invitae Variant Classification Sherloc (09022015). Collection method: clinical testing. Allele origin: germline.
Comment: This sequence change replaces valine, which is neutral and non-polar, with isoleucine, which is neutral and non-polar, at codon 272 of the COCH protein (p.Val272Ile). This variant is present in population databases (rs186875564, gnomAD 0.004%). This variant has not been reported in the literature in individuals affected with COCH-related conditions. ClinVar contains an entry for this variant (Variation ID: 2715504). Invitae Evidence Modeling of protein sequence and biophysical properties (such as structural, functional, and spatial information, amino acid conservation, physicochemical variation, residue mobility, and thermodynamic stability) indicates that this missense variant is not expected to disrupt COCH protein function with a negative predictive value of 95%. In summary, the available evidence is currently insufficient to determine the role of this variant in disease. Therefore, it has been classified as a Variant of Uncertain Significance.